The following is an entry in ClinVar:

NM_000719.7(CACNA1C):c.2853+197T>A

Gene: CACNA1C (calcium voltage-gated channel subunit alpha1 C; plus strand). Cytogenetic location: 12p13.33.
Variant type: single nucleotide variant.
Coding change: c.2853+197T>A on transcript NM_000719.7 (MANE Select); 197 bases into the intron after coding-DNA position 2853, T replaced by A.
Molecular consequence: intron variant. On other transcripts: missense variant (11).
Genome position (GRCh38, 1-based): chr12:2,597,486, T>A. VCF-style: chr12-2597486-T-A. GRCh37 (hg19) VCF-style: chr12-2706652-T-A.
Other names: c.2903T>A, p.Ile968Asn (NM_001129827.2, NM_001129832.2, NM_199460.4); c.2843T>A, p.Ile948Asn (NM_001129830.3, NM_001129835.2, NM_001129836.2 and 5 more transcripts); c.2853+197T>A (NM_001167624.3, NM_001167623.2, NM_001167625.2 and 7 more transcripts); c.2844+197T>A (NM_001129844.2); short protein forms I948N, I968N.
Identifiers: ClinVar variation 3343285 (VCV003343285.1).

ClinVar aggregate classification (germline): Uncertain significance (1 of 4 stars; one submission).

Submission:

GeneDx
Classification: Uncertain significance. Last evaluated: 2023-05-18. Review status: criteria provided, single submitter. Criteria: GeneDx Variant Classification Process June 2021. Collection method: clinical testing. Allele origin: germline. Affected: yes.
Comment: Not observed at significant frequency in large population cohorts (gnomAD); In silico analysis supports a deleterious effect on splicing; Reported using an alternate transcript of the gene; Has not been previously published as pathogenic or benign to our knowledge